The following is an entry in ClinVar:

ClinVar aggregate classification (germline): Likely benign. Review status: criteria provided, multiple submitters, no conflicts (2 of 4 stars). 2 submissions from 2 submitters: Likely benign (2). Last evaluated 2026-03-01.

Conditions:
Meckel-Gruber syndrome. Also called: DYSENCEPHALIA SPLANCHNOCYSTICA; GRUBER SYNDROME; Dysencephalia splachnocystica. Identifiers: Orphanet 564, MedGen C0265215, MONDO:0018921.
Nephronophthisis. Also called: Juvenile Nephronophthisis. Identifiers: Orphanet 655, MedGen C0687120, MONDO:0019005, HP:0000090.
Joubert syndrome. Also called: Familial aplasia of the vermis; JOUBERT-BOLTSHAUSER SYNDROME. Identifiers: Orphanet 475, MedGen C5979921, MONDO:0018772.

gnomAD v4.1: 1 of 1,550,392 alleles (0.000064%); highest among the groups gnomAD compares: Non-Finnish European, 0.000087%; no homozygotes.

Submissions (2):

CeGaT Center for Human Genetics Tuebingen
Classification: Likely benign. Last evaluated: 2026-03-01. Review status: criteria provided, single submitter. Criteria: CeGaT Center For Human Genetics Tuebingen Variant Classification Criteria Version 2. Collection method: clinical testing. Allele origin: germline. Affected: yes. Observed: 1 variant allele.
Comment: CEP290: BP4, BP7

Labcorp Genetics (formerly Invitae), Labcorp
Classification: Likely benign for Joubert syndrome; Meckel-Gruber syndrome; Nephronophthisis. Last evaluated: 2022-01-19. Review status: criteria provided, single submitter. Criteria: Invitae Variant Classification Sherloc (09022015). Collection method: clinical testing. Allele origin: germline.

NM_025114.4(CEP290):c.2568A>C (p.Ile856=)

Gene: CEP290 (centrosomal protein 290; minus strand). Cytogenetic location: 12q21.32.
Variant type: single nucleotide variant.
Coding change: c.2568A>C on transcript NM_025114.4 (MANE Select); coding-DNA position 2568, A replaced by C.
Protein change: p.Ile856=; no amino-acid change (isoleucine 856 retained).
Molecular consequence: synonymous variant.
Genome position (GRCh38, 1-based): chr12:88,107,014, T>G on the plus strand (A>C on the coding strand, the complement: CEP290 is on the minus strand). VCF-style: chr12-88107014-T-G. GRCh37 (hg19) VCF-style: chr12-88500791-T-G.
Identifiers: ClinVar variation 1969601 (VCV001969601.9), dbSNP rs775965379, ClinGen allele CA6712314.